The following is an entry in ClinVar:

ClinVar aggregate classification (germline): Pathogenic. Review status: criteria provided, multiple submitters, no conflicts (2 of 4 stars). 2 submissions from 2 submitters: Pathogenic (2). Last evaluated 2026-08-21.

Conditions:
Meckel-Gruber syndrome. Also called: Dysencephalia splachnocystica; DYSENCEPHALIA SPLANCHNOCYSTICA; GRUBER SYNDROME. Identifiers: Orphanet 564, MedGen C0265215, MONDO:0018921.
Joubert syndrome. Also called: Familial aplasia of the vermis; JOUBERT-BOLTSHAUSER SYNDROME. Identifiers: Orphanet 475, MedGen C5979921, MONDO:0018772.
Nephronophthisis. Also called: Juvenile Nephronophthisis. Identifiers: Orphanet 655, MedGen C0687120, MONDO:0019005, HP:0000090.
CEP290-related ciliopathy. Also called: CEP290 ciliopathy. Identifiers: MedGen CN305601, MONDO:0100451.

Submissions (2):

Myriad Genetics, Inc.
Classification: Pathogenic for CEP290-related ciliopathy. Last evaluated: 2026-08-21. Review status: criteria provided, single submitter. Criteria: Myriad Autosomal Dominant, Autosomal Recessive and X-Linked Classification Criteria (2023). Collection method: clinical testing. Allele origin: unknown.
Comment: NM_025114.3(CEP290):c.84delA(L28Ffs*2) is a frameshift variant classified as pathogenic in the context of CEP290-related disorders. L28Ffs*2 has not been observed in cases with relevant disease. Relevant functional assessments of this variant are not available in the literature. L28Ffs*2 has not been observed in referenced population frequency databases. In summary, NM_025114.3(CEP290):c.84delA(L28Ffs*2) is a frameshift variant in a gene where loss of function is a known mechanism of disease and is predicted to disrupt protein function. Please note: this variant was assessed in the context of healthy population screening.

Labcorp Genetics (formerly Invitae), Labcorp
Classification: Pathogenic for Joubert syndrome; Meckel-Gruber syndrome; Nephronophthisis. Last evaluated: 2023-04-18. Review status: criteria provided, single submitter. Criteria: Invitae Variant Classification Sherloc (09022015). Collection method: clinical testing. Allele origin: germline.
Comment: This sequence change creates a premature translational stop signal (p.Leu28Phefs*2) in the CEP290 gene. It is expected to result in an absent or disrupted protein product. Loss-of-function variants in CEP290 are known to be pathogenic (PMID: 16909394, 17345604, 20690115). For these reasons, this variant has been classified as Pathogenic. This variant has not been reported in the literature in individuals affected with CEP290-related conditions. This variant is not present in population databases (gnomAD no frequency).

Literature cited by the submitters: PubMed 16909394 (cited by Labcorp Genetics (formerly Invitae), Labcorp); PubMed 17345604 (cited by Labcorp Genetics (formerly Invitae), Labcorp); PubMed 20690115 (cited by Labcorp Genetics (formerly Invitae), Labcorp).

NM_025114.4(CEP290):c.84del (p.Leu28fs)

Gene: CEP290 (centrosomal protein 290; minus strand). Cytogenetic location: 12q21.32.
Variant type: Deletion.
Coding change: c.84del on transcript NM_025114.4 (MANE Select); coding-DNA position 84, one base deleted (A; older notation c.84delA).
Protein change: p.Leu28fs; shifts the reading frame from leucine 28.
Molecular consequence: frameshift variant.
Genome position (GRCh38, 1-based): chr12:88,141,224, T deleted on the plus strand (A on the coding strand, the reverse complement: CEP290 is on the minus strand). VCF-style (leftmost placement, unchanged base first): chr12-88141223-AT-A. GRCh37 (hg19) VCF-style: chr12-88535000-AT-A.
Other names: short protein forms L28fs.
Identifiers: ClinVar variation 2946895 (VCV002946895.4), dbSNP rs2501862857, ClinGen allele CA2740092537.